The following is an entry in ClinVar:

ClinVar aggregate classification (germline): Uncertain significance (1 of 4 stars; one submission).

Conditions:
Familial cold autoinflammatory syndrome 2 (FCAS2). Identifiers: Orphanet 247868, MedGen C2673198, MONDO:0012724, OMIM 611762.

Submission:

Labcorp Genetics (formerly Invitae), Labcorp
Classification: Uncertain significance for Familial cold autoinflammatory syndrome 2. Last evaluated: 2024-01-20. Review status: criteria provided, single submitter. Criteria: Invitae Variant Classification Sherloc (09022015). Collection method: clinical testing. Allele origin: germline.
Comment: This sequence change replaces cysteine, which is neutral and slightly polar, with arginine, which is basic and polar, at codon 1027 of the NLRP12 protein (p.Cys1027Arg). This variant is not present in population databases (gnomAD no frequency). This variant has not been reported in the literature in individuals affected with NLRP12-related conditions. Experimental studies and prediction algorithms are not available or were not evaluated, and the functional significance of this variant is currently unknown. In summary, the available evidence is currently insufficient to determine the role of this variant in disease. Therefore, it has been classified as a Variant of Uncertain Significance.

NM_144687.4(NLRP12):c.3079T>C (p.Cys1027Arg)

Gene: NLRP12 (NLR family pyrin domain containing 12; minus strand). Cytogenetic location: 19q13.42.
Variant type: single nucleotide variant.
Coding change: c.3079T>C on transcript NM_144687.4 (MANE Select); coding-DNA position 3079, T replaced by C.
Protein change: p.Cys1027Arg; replaces cysteine 1027 with arginine.
Molecular consequence: missense variant.
Genome position (GRCh38, 1-based): chr19:53,795,878, A>G on the plus strand (T>C on the coding strand, the complement: NLRP12 is on the minus strand). VCF-style: chr19-53795878-A-G. GRCh37 (hg19) VCF-style: chr19-54299132-A-G.
Other names: c.3082T>C, p.Cys1028Arg (NM_001277126.2); c.2908T>C, p.Cys970Arg (NM_001277129.1); short protein forms C1028R, C970R, C1027R.
Identifiers: ClinVar variation 3023107 (VCV003023107.3), dbSNP rs2514212961, ClinGen allele CA407407374.